The following is an entry in ClinVar:

NM_052874.5(STX1B):c.178A>G (p.Ile60Val)

Gene: STX1B (syntaxin 1B; minus strand). Cytogenetic location: 16p11.2.
Variant type: single nucleotide variant.
Coding change: c.178A>G on transcript NM_052874.5 (MANE Select); coding-DNA position 178, A replaced by G.
Protein change: p.Ile60Val; replaces isoleucine 60 with valine.
Molecular consequence: missense variant.
Genome position (GRCh38, 1-based): chr16:31,001,121, T>C on the plus strand (A>G on the coding strand, the complement: STX1B is on the minus strand). VCF-style: chr16-31001121-T-C. GRCh37 (hg19) VCF-style: chr16-31012442-T-C.
Other names: short protein forms I60V.
Identifiers: ClinVar variation 1021907 (VCV001021907.8), dbSNP rs2056625948, ClinGen allele CA395651462.

ClinVar aggregate classification (germline): Uncertain significance (1 of 4 stars; one submission).

Conditions:
Generalized epilepsy with febrile seizures plus, type 9 (GEFSP9). Also called: GEFS+, TYPE 9. Identifiers: Orphanet 36387, MedGen C4015395, MONDO:0014517, OMIM 616172.

Submission:

Labcorp Genetics (formerly Invitae), Labcorp
Classification: Uncertain significance for Generalized epilepsy with febrile seizures plus, type 9. Last evaluated: 2022-02-03. Review status: criteria provided, single submitter. Criteria: Invitae Variant Classification Sherloc (09022015). Collection method: clinical testing. Allele origin: germline.
Comment: This sequence change replaces isoleucine, which is neutral and non-polar, with valine, which is neutral and non-polar, at codon 60 of the STX1B protein (p.Ile60Val). This variant is not present in population databases (gnomAD no frequency). This variant has not been reported in the literature in individuals affected with STX1B-related conditions. ClinVar contains an entry for this variant (Variation ID: 1021907). Algorithms developed to predict the effect of missense changes on protein structure and function (SIFT, PolyPhen-2, Align-GVGD) all suggest that this variant is likely to be tolerated. In summary, the available evidence is currently insufficient to determine the role of this variant in disease. Therefore, it has been classified as a Variant of Uncertain Significance.